The following is an entry in ClinVar:

ClinVar aggregate classification (germline): Uncertain significance. Review status: criteria provided, multiple submitters, no conflicts (2 of 4 stars). 3 submissions from 3 submitters: Uncertain significance (3). Last evaluated 2025-04-04.

Conditions:
Hereditary cancer-predisposing syndrome. Also called: Tumor predisposition; Neoplastic Syndromes, Hereditary; Hereditary Cancer Syndrome; Hereditary neoplastic syndrome. Identifiers: Orphanet 140162, MedGen C0027672, MeSH D009386, MONDO:0015356.
Ataxia-telangiectasia syndrome (AT). Also called: LOUIS-BAR SYNDROME; Cerebello-oculocutaneous telangiectasia; Immunodeficiency with ataxia telangiectasia; Ataxia-telangiectasia, complementation group D; AT, COMPLEMENTATION GROUP C; ATAXIA-TELANGIECTASIA, COMPLEMENTATION GROUP A. Identifiers: Orphanet 100, MedGen C0004135, MONDO:0008840, OMIM 208900.

Submissions (3):

Women's Health and Genetics/Laboratory Corporation of America, LabCorp
Classification: Uncertain significance. Last evaluated: 2025-04-04. Review status: criteria provided, single submitter. Criteria: LabCorp Variant Classification Summary - May 2015. Collection method: clinical testing. Allele origin: germline.

Labcorp Genetics (formerly Invitae), Labcorp
Classification: Uncertain significance for Ataxia-telangiectasia syndrome. Last evaluated: 2022-12-22. Review status: criteria provided, single submitter. Criteria: Invitae Variant Classification Sherloc (09022015). Collection method: clinical testing. Allele origin: germline.
Comment: Algorithms developed to predict the effect of missense changes on protein structure and function (SIFT, PolyPhen-2, Align-GVGD) all suggest that this variant is likely to be tolerated. ClinVar contains an entry for this variant (Variation ID: 1783809). This variant has not been reported in the literature in individuals affected with ATM-related conditions. This variant is not present in population databases (gnomAD no frequency). This sequence change replaces methionine, which is neutral and non-polar, with isoleucine, which is neutral and non-polar, at codon 660 of the ATM protein (p.Met660Ile). Algorithms developed to predict the effect of sequence changes on RNA splicing suggest that this variant may disrupt the consensus splice site. In summary, the available evidence is currently insufficient to determine the role of this variant in disease. Therefore, it has been classified as a Variant of Uncertain Significance.

Ambry Genetics
Classification: Uncertain significance for Hereditary cancer-predisposing syndrome. Last evaluated: 2020-09-17. Review status: criteria provided, single submitter. Criteria: Ambry Variant Classification Scheme 2023. Collection method: clinical testing. Allele origin: germline.
Comment: The p.M660I variant (also known as c.1980G>A), located in coding exon 12 of the ATM gene, results from a G to A substitution at nucleotide position 1980. The methionine at codon 660 is replaced by isoleucine, an amino acid with highly similar properties. This amino acid position is well conserved in available vertebrate species. In addition, this alteration is predicted to be tolerated by in silico analysis. Since supporting evidence is limited at this time, the clinical significance of this alteration remains unclear.

NM_000051.4(ATM):c.1980G>A (p.Met660Ile)

Gene: ATM (ATM serine/threonine kinase; plus strand). Cytogenetic location: 11q22.3.
Variant type: single nucleotide variant.
Coding change: c.1980G>A on transcript NM_000051.4 (MANE Select); coding-DNA position 1980, G replaced by A.
Protein change: p.Met660Ile; replaces methionine 660 with isoleucine.
Molecular consequence: missense variant.
Genome position (GRCh38, 1-based): chr11:108,253,895, G>A. VCF-style: chr11-108253895-G-A. GRCh37 (hg19) VCF-style: chr11-108124622-G-A.
Other names: c.1980G>A, p.Met660Ile (NM_001351834.2); short protein forms M660I.
Identifiers: ClinVar variation 1783809 (VCV001783809.7), dbSNP rs2080301342, ClinGen allele CA382536872.